The following is an entry in ClinVar:

NM_014845.6(FIG4):c.166-5C>T

Gene: FIG4 (FIG4 phosphoinositide 5-phosphatase; plus strand). Cytogenetic location: 6q21.
Variant type: single nucleotide variant.
Coding change: c.166-5C>T on transcript NM_014845.6 (MANE Select); 5 bases into the intron before coding-DNA position 166, C replaced by T.
Molecular consequence: intron variant.
Genome position (GRCh38, 1-based): chr6:109,716,440, C>T. VCF-style: chr6-109716440-C-T. GRCh37 (hg19) VCF-style: chr6-110037643-C-T.
Identifiers: ClinVar variation 3032281 (VCV003032281.2), dbSNP rs2486085613, ClinGen allele CA2504024957.

ClinVar aggregate classification (germline): Likely benign (0 of 4 stars; one submission).

Conditions:
FIG4-related disorder. Also called: FIG4-related condition; FIG4-related disorders.

gnomAD v4.1: 2 of 1,613,286 alleles (0.00012%); no homozygotes.

Submission:

PreventionGenetics, part of Exact Sciences
Classification: Likely benign for FIG4-related condition. Last evaluated: 2023-05-17. Review status: no assertion criteria provided. Collection method: clinical testing. Allele origin: germline.
Comment: This variant is classified as likely benign based on ACMG/AMP sequence variant interpretation guidelines (Richards et al. 2015 PMID: 25741868, with internal and published modifications).